The following is an entry in ClinVar:

NM_000540.3(RYR1):c.10018+5G>T

Gene: RYR1 (ryanodine receptor 1; plus strand). Cytogenetic location: 19q13.2.
Variant type: single nucleotide variant.
Coding change: c.10018+5G>T on transcript NM_000540.3 (MANE Select); 5 bases into the intron after coding-DNA position 10018, G replaced by T.
Molecular consequence: intron variant.
Genome position (GRCh38, 1-based): chr19:38,517,696, G>T. VCF-style: chr19-38517696-G-T. GRCh37 (hg19) VCF-style: chr19-39008336-G-T.
Other names: c.10018+5G>T (NM_001042723.2).
Identifiers: ClinVar variation 1055366 (VCV001055366.7), dbSNP rs2145683142, ClinGen allele CA2499225477.

ClinVar aggregate classification (germline): Uncertain significance (1 of 4 stars; one submission).

Conditions:
RYR1-related disorder. Also called: RYR1-related condition; RYR1-related disorders. Identifiers: MedGen CN239331.

Submission:

Labcorp Genetics (formerly Invitae), Labcorp
Classification: Uncertain significance for RYR1-related disorder. Last evaluated: 2020-12-09. Review status: criteria provided, single submitter. Criteria: Invitae Variant Classification Sherloc (09022015). Collection method: clinical testing. Allele origin: germline.
Comment: This sequence change falls in intron 66 of the RYR1 gene. It does not directly change the encoded amino acid sequence of the RYR1 protein. It affects a nucleotide within the consensus splice site of the intron. This variant is not present in population databases (ExAC no frequency). This variant has not been reported in the literature in individuals with RYR1-related conditions. Nucleotide substitutions within the consensus splice site are a relatively common cause of aberrant splicing (PMID: 17576681, 9536098). Algorithms developed to predict the effect of sequence changes on RNA splicing suggest that this variant may disrupt the consensus splice site, but this prediction has not been confirmed by published transcriptional studies. In summary, the available evidence is currently insufficient to determine the role of this variant in disease. Therefore, it has been classified as a Variant of Uncertain Significance.

Literature cited by the submitters: PubMed 17576681; PubMed 9536098.